The following is an entry in ClinVar:

ClinVar aggregate classification (germline): Uncertain significance. Review status: criteria provided, multiple submitters, no conflicts (2 of 4 stars). 2 submissions from 2 submitters: Uncertain significance (2). Last evaluated 2025-08-04.

Allele frequency attached by ClinVar (database versions not stated): TOPMed below 0.00001; gnomAD 0.00004; gnomAD exomes 0.00004; ExAC 0.00011.
gnomAD v4.1: 70 of 1,613,100 alleles (0.0043%); highest among the groups gnomAD compares: South Asian, 0.056%; no homozygotes.

Submissions (2):

Ambry Genetics
Classification: Uncertain significance. Last evaluated: 2025-08-04. Review status: criteria provided, single submitter. Criteria: Ambry Variant Classification Scheme 2023. Collection method: clinical testing. Allele origin: germline.

Labcorp Genetics (formerly Invitae), Labcorp
Classification: Uncertain significance. Last evaluated: 2024-09-06. Review status: criteria provided, single submitter. Criteria: Invitae Variant Classification Sherloc (09022015). Collection method: clinical testing. Allele origin: germline.
Comment: This sequence change replaces threonine, which is neutral and polar, with isoleucine, which is neutral and non-polar, at codon 402 of the CYP2R1 protein (p.Thr402Ile). This variant is present in population databases (rs782067999, gnomAD 0.07%). This variant has not been reported in the literature in individuals affected with CYP2R1-related conditions. ClinVar contains an entry for this variant (Variation ID: 2416170). An algorithm developed to predict the effect of missense changes on protein structure and function (PolyPhen-2) suggests that this variant is likely to be disruptive. In summary, the available evidence is currently insufficient to determine the role of this variant in disease. Therefore, it has been classified as a Variant of Uncertain Significance.

NM_024514.5(CYP2R1):c.1205C>T (p.Thr402Ile)

Genes: CYP2R1 (cytochrome P450 family 2 subfamily R member 1; minus strand), PDE3B (phosphodiesterase 3B; plus strand). Cytogenetic location: 11p15.2.
Variant type: single nucleotide variant.
Coding change: c.1205C>T on transcript NM_024514.5 (MANE Select); coding-DNA position 1205, C replaced by T.
Protein change: p.Thr402Ile; replaces threonine 402 with isoleucine.
Molecular consequence: missense variant.
Genome position (GRCh38, 1-based): chr11:14,879,239, G>A on the plus strand (C>T on the coding strand, the complement: CYP2R1 is on the minus strand). VCF-style: chr11-14879239-G-A. GRCh37 (hg19) VCF-style: chr11-14900785-G-A.
Other names: c.860C>T, p.Thr287Ile (NM_001400560.1, NM_001400561.1, NM_001377214.1 and 5 more transcripts); c.506C>T, p.Thr169Ile (NM_001400562.1, NM_001400563.1, NM_001400564.1 and 1 more transcripts); c.227C>T, p.Thr76Ile (NM_001400566.1); c.1061C>T, p.Thr354Ile (NM_001400567.1); c.1160C>T, p.Thr387Ile (NM_001400568.1); c.1043C>T, p.Thr348Ile (NM_001377217.1); c.1205C>T (NM_024514.4); short protein forms T169I, T287I, T348I, T354I, T387I, T402I, T76I.
Identifiers: ClinVar variation 2416170 (VCV002416170.7), dbSNP rs782067999, ClinGen allele CA5896536.